The following is an entry in ClinVar:

NM_020937.4(FANCM):c.2589del (p.Asp864fs)

Gene: FANCM (FA complementation group M; plus strand). Cytogenetic location: 14q21.2.
Variant type: Deletion.
Coding change: c.2589del on transcript NM_020937.4 (MANE Select); coding-DNA position 2589, one base deleted (A; older notation c.2589delA).
Protein change: p.Asp864fs; shifts the reading frame from aspartic acid 864.
Molecular consequence: frameshift variant.
Genome position (GRCh38, 1-based): chr14:45,175,343, A deleted; the last of 7 consecutive A bases (chr14:45,175,337-45,175,343); deleting any one gives the same sequence. VCF-style (leftmost placement, unchanged base first): chr14-45175336-TA-T. GRCh37 (hg19) VCF-style: chr14-45644539-TA-T.
Other names: c.2511del, p.Asp838fs (NM_001308133.2); short protein forms D864fs, D838fs.
Identifiers: ClinVar variation 1428835 (VCV001428835.6), dbSNP rs768006618, ClinGen allele CA2573149956.
Genomic context (GRCh38, chr14:45,175,336, plus strand): 5'-AACAAACTCATATCAAACCTACTAAAATTGTTTCTTTAAAGAAAAAAGTGTCTAAAGAAA[TA>T]AAAAAAGATCAGCTTAAAAAAGAAAATAATCACGGTATTATAGATTCTGTAGATAATGAC-3'

ClinVar aggregate classification (germline): Pathogenic (1 of 4 stars; one submission).

Conditions:
Fanconi anemia (FA). Also called: Fanconi's anemia. Identifiers: Orphanet 84, MedGen C0015625, MeSH D005199, MONDO:0019391.

Submission:

Labcorp Genetics (formerly Invitae), Labcorp
Classification: Pathogenic for Fanconi anemia. Last evaluated: 2021-07-20. Review status: criteria provided, single submitter. Criteria: Invitae Variant Classification Sherloc (09022015). Collection method: clinical testing. Allele origin: germline.
Comment: For these reasons, this variant has been classified as Pathogenic. This premature translational stop signal has been observed in individual(s) with breast cancer (PMID: 31991861). This variant is not present in population databases (ExAC no frequency). This sequence change creates a premature translational stop signal (p.Asp864Ilefs*12) in the FANCM gene. It is expected to result in an absent or disrupted protein product. Loss-of-function variants in FANCM are known to be pathogenic (PMID: 29895858, 30075111).

Literature cited by the submitters: PubMed 31991861; PubMed 29895858; PubMed 30075111.